The following is an entry in ClinVar:

ClinVar aggregate classification (germline): Uncertain significance. Review status: criteria provided, multiple submitters, no conflicts (2 of 4 stars). 5 submissions from 5 submitters: Uncertain significance (5). Last evaluated 2024-01-18.

Conditions:
Inborn genetic diseases. Identifiers: MedGen C0950123, MeSH D030342.
Charcot-Marie-Tooth disease axonal type 2S. Also called: CHARCOT-MARIE-TOOTH NEUROPATHY, TYPE 2S; CHARCOT-MARIE-TOOTH DISEASE, AXONAL, AUTOSOMAL RECESSIVE, TYPE 2S. Identifiers: Orphanet 443073, MedGen C4015349, MONDO:0014511, OMIM 616155.
Autosomal recessive distal spinal muscular atrophy 1. Also called: HMN VI; NEURONOPATHY, SEVERE INFANTILE AXONAL, WITH RESPIRATORY FAILURE; SEVERE INFANTILE AXONAL NEUROPATHY WITH RESPIRATORY FAILURE; SPINAL MUSCULAR ATROPHY, DIAPHRAGMATIC; Spinal muscular atrophy with respiratory distress 1; NEURONOPATHY, DISTAL HEREDITARY MOTOR, HARDING TYPE VI. Identifiers: Orphanet 98920, MedGen C1858517, MONDO:0011436, OMIM 604320.

Allele frequency attached by ClinVar (database versions not stated): TOPMed 0.00002; ExAC 0.00003; gnomAD 0.00005.

Submissions (5):

Revvity Omics, Revvity
Classification: Uncertain significance. Last evaluated: 2024-01-18. Review status: criteria provided, single submitter. Criteria: ACMG Guidelines, 2015. Collection method: clinical testing. Allele origin: germline.

Mayo Clinic Laboratories, Mayo Clinic
Classification: Uncertain significance. Last evaluated: 2022-12-08. Review status: criteria provided, single submitter. Criteria: ACMG Guidelines, 2015. Collection method: clinical testing. Allele origin: germline. Observed: 1 variant allele.

Ambry Genetics
Classification: Uncertain significance for Inborn genetic diseases. Last evaluated: 2021-09-01. Review status: criteria provided, single submitter. Criteria: Ambry Variant Classification Scheme 2023. Collection method: clinical testing. Allele origin: germline.

Labcorp Genetics (formerly Invitae), Labcorp
Classification: Uncertain significance for Autosomal recessive distal spinal muscular atrophy 1; Charcot-Marie-Tooth disease axonal type 2S. Last evaluated: 2021-08-30. Review status: criteria provided, single submitter. Criteria: Invitae Variant Classification Sherloc (09022015). Collection method: clinical testing. Allele origin: germline.
Comment: This sequence change replaces glycine with serine at codon 953 of the IGHMBP2 protein (p.Gly953Ser). The glycine residue is moderately conserved and there is a small physicochemical difference between glycine and serine. This variant is present in population databases (rs775514650, ExAC 0.03%). This variant has not been reported in the literature in individuals affected with IGHMBP2-related conditions. Algorithms developed to predict the effect of missense changes on protein structure and function are either unavailable or do not agree on the potential impact of this missense change (SIFT: "Tolerated"; PolyPhen-2: "Probably Damaging"; Align-GVGD: "Class C0"). Algorithms developed to predict the effect of sequence changes on RNA splicing suggest that this variant may create or strengthen a splice site. In summary, the available evidence is currently insufficient to determine the role of this variant in disease. Therefore, it has been classified as a Variant of Uncertain Significance.

Breakthrough Genomics
Classification: Uncertain significance. Review status: criteria provided, single submitter. Criteria: ACMG Guidelines, 2015. Collection method: not provided. Allele origin: germline. Inheritance: Autosomal recessive inheritance. Affected: yes.

NM_002180.3(IGHMBP2):c.2857G>A (p.Gly953Ser)

Gene: IGHMBP2 (immunoglobulin mu DNA binding protein 2; plus strand). Cytogenetic location: 11q13.3.
Variant type: single nucleotide variant.
Coding change: c.2857G>A on transcript NM_002180.3 (MANE Select); coding-DNA position 2857, G replaced by A.
Protein change: p.Gly953Ser; replaces glycine 953 with serine.
Molecular consequence: missense variant.
Genome position (GRCh38, 1-based): chr11:68,939,606, G>A. VCF-style: chr11-68939606-G-A. GRCh37 (hg19) VCF-style: chr11-68707074-G-A.
Other names: p.Gly953Ser; short protein forms G953S.
Identifiers: ClinVar variation 534920 (VCV000534920.11), dbSNP rs775514650, ClinGen allele CA6154043.